The following is an entry in ClinVar:

ClinVar aggregate classification (germline): Uncertain significance. Review status: criteria provided, multiple submitters, no conflicts (2 of 4 stars). 2 submissions from 2 submitters: Uncertain significance (2). Last evaluated 2024-02-17.

Conditions:
Neurofibromatosis, type 1 (NF1). Also called: VON RECKLINGHAUSEN DISEASE; Peripheral type neurofibromatosis; Neurofibromatosis, type I; NEUROFIBROMATOSIS, TYPE I, SOMATIC. Identifiers: Orphanet 636, MedGen C0027831, MONDO:0018975, OMIM 162200. Disease mechanism: loss of function.
Cardiovascular phenotype. Identifiers: MedGen CN230736.
Hereditary cancer-predisposing syndrome. Also called: Hereditary Cancer Syndrome; Neoplastic Syndromes, Hereditary; Hereditary neoplastic syndrome; Tumor predisposition. Identifiers: Orphanet 140162, MedGen C0027672, MeSH D009386, MONDO:0015356.

Allele frequency attached by ClinVar (database versions not stated): TOPMed below 0.00001; ExAC 0.00001; gnomAD 0.00001; ESP Exome Variant Server 0.00008.
gnomAD v4.1: 2 of 1,613,440 alleles (0.00012%); highest among the groups gnomAD compares: African/African-American, 0.0027%; no homozygotes.

Submissions (2):

Ambry Genetics
Classification: Uncertain significance for Cardiovascular phenotype; Hereditary cancer-predisposing syndrome. Last evaluated: 2024-02-17. Review status: criteria provided, single submitter. Criteria: Ambry Variant Classification Scheme 2023. Collection method: clinical testing. Allele origin: germline.
Comment: The p.A1945V variant (also known as c.5834C>T), located in coding exon 39 of the NF1 gene, results from a C to T substitution at nucleotide position 5834. The alanine at codon 1945 is replaced by valine, an amino acid with similar properties. This amino acid position is conserved. In addition, the in silico prediction for this alteration is inconclusive. Based on the available evidence, the clinical significance of this alteration remains unclear.

Labcorp Genetics (formerly Invitae), Labcorp
Classification: Uncertain significance for Neurofibromatosis, type 1. Last evaluated: 2024-01-10. Review status: criteria provided, single submitter. Criteria: Invitae Variant Classification Sherloc (09022015). Collection method: clinical testing. Allele origin: germline.
Comment: This sequence change replaces alanine, which is neutral and non-polar, with valine, which is neutral and non-polar, at codon 1945 of the NF1 protein (p.Ala1945Val). The frequency data for this variant in the population databases is considered unreliable, as metrics indicate poor data quality at this position in the gnomAD database. This variant has not been reported in the literature in individuals affected with NF1-related conditions. ClinVar contains an entry for this variant (Variation ID: 1986215). Advanced modeling of protein sequence and biophysical properties (such as structural, functional, and spatial information, amino acid conservation, physicochemical variation, residue mobility, and thermodynamic stability) performed at Invitae indicates that this missense variant is expected to disrupt NF1 protein function with a positive predictive value of 80%. In summary, the available evidence is currently insufficient to determine the role of this variant in disease. Therefore, it has been classified as a Variant of Uncertain Significance.

NM_001042492.3(NF1):c.5897C>T (p.Ala1966Val)

Gene: NF1 (neurofibromin 1; plus strand). Cytogenetic location: 17q11.2.
Variant type: single nucleotide variant.
Coding change: c.5897C>T on transcript NM_001042492.3 (MANE Select); coding-DNA position 5897, C replaced by T.
Protein change: p.Ala1966Val; replaces alanine 1966 with valine.
Molecular consequence: missense variant.
Genome position (GRCh38, 1-based): chr17:31,334,922, C>T. VCF-style: chr17-31334922-C-T. GRCh37 (hg19) VCF-style: chr17-29661940-C-T.
Other names: c.5834C>T, p.Ala1945Val (NM_000267.4); short protein forms A1945V, A1966V.
Identifiers: ClinVar variation 1986215 (VCV001986215.5), dbSNP rs148861026, ClinGen allele CA8487272.